The following is an entry in ClinVar:

NM_000179.3(MSH6):c.3276del (p.Gly1093fs)

Gene: MSH6 (mutS homolog 6; plus strand). Cytogenetic location: 2p16.3.
Variant type: Deletion.
Coding change: c.3276del on transcript NM_000179.3 (MANE Select); coding-DNA position 3276, one base deleted (A; older notation c.3276delA).
Protein change: p.Gly1093fs; shifts the reading frame from glycine 1093.
Molecular consequence: frameshift variant. On other transcripts: non-coding transcript variant (5), intron variant (1).
Genome position (GRCh38, 1-based): chr2:47,803,523, A deleted; the last of 3 consecutive A bases (chr2:47,803,521-47,803,523); deleting any one gives the same sequence. VCF-style (leftmost placement, unchanged base first): chr2-47803520-TA-T. GRCh37 (hg19) VCF-style: chr2-48030659-TA-T.
Other names: c.2886del, p.Gly963fs (NM_001281492.2); c.2370del, p.Gly791fs (NM_001281493.2, NM_001281494.2, NM_001406811.1 and 6 more transcripts); c.3372del, p.Gly1125fs (NM_001406795.1, NM_001406802.1); c.3276del, p.Gly1093fs (NM_001406796.1, NM_001406800.1, NM_001406808.1 and 1 more transcripts); c.2979del, p.Gly994fs (NM_001406797.1, NM_001406801.1, NM_001406805.1 and 10 more transcripts); c.2751del, p.Gly918fs (NM_001406799.1, NM_001406806.1, NM_001406807.1); c.2412del, p.Gly805fs (NM_001406803.1); c.3198del, p.Gly1067fs (NM_001406804.1); and 7 more; short protein forms G1037fs, G1067fs, G1093fs, G1095fs, G1125fs, G20fs, G408fs, G42fs.
Identifiers: ClinVar variation 2673591 (VCV002673591.1), dbSNP rs1558387361, ClinGen allele CA2695200531.

ClinVar aggregate classification (germline): Pathogenic (1 of 4 stars; one submission).

Conditions:
Lynch syndrome 5 (LYNCH5). Also called: Colorectal cancer, hereditary nonpolyposis, type 5; Hereditary non-polyposis colorectal cancer, type 5. Identifiers: Orphanet 144, MedGen C1833477, MONDO:0013710, OMIM 614350. Disease mechanism: loss of function.

Submission:

Myriad Genetics, Inc.
Classification: Pathogenic for Lynch syndrome 5. Last evaluated: 2023-08-22. Review status: criteria provided, single submitter. Criteria: Myriad Autosomal Dominant, Autosomal Recessive and X-Linked Classification Criteria (2023). Collection method: clinical testing. Allele origin: unknown.
Comment: This variant is considered pathogenic. This variant creates a frameshift predicted to result in premature protein truncation.